The following is an entry in ClinVar:

ClinVar aggregate classification (germline): Uncertain significance (1 of 4 stars; one submission).

Conditions:
STAT3 gain of function. Identifiers: MedGen C4288261.
Hyper-IgE recurrent infection syndrome 1, autosomal dominant. Also called: JOB SYNDROME; Job's Syndrome; STAT3 Hyper IgE Syndrome; Hyper-IgE recurrent infection syndrome 1; HYPER-IgE SYNDROME 1, AUTOSOMAL DOMINANT, WITH RECURRENT INFECTIONS. Identifiers: Orphanet 2314, MedGen C2936739, MONDO:0007818, OMIM 147060.

Submission:

Labcorp Genetics (formerly Invitae), Labcorp
Classification: Uncertain significance for STAT3 gain of function; Hyper-IgE recurrent infection syndrome 1, autosomal dominant. Last evaluated: 2025-10-18. Review status: criteria provided, single submitter. Criteria: Invitae Variant Classification Sherloc (09022015). Collection method: clinical testing. Allele origin: germline.
Comment: This sequence change replaces methionine, which is neutral and non-polar, with isoleucine, which is neutral and non-polar, at codon 317 of the STAT3 protein (p.Met317Ile). This variant is not present in population databases (gnomAD no frequency). This variant has not been reported in the literature in individuals affected with STAT3-related conditions. Invitae Evidence Modeling of protein sequence and biophysical properties (such as structural, functional, and spatial information, amino acid conservation, physicochemical variation, residue mobility, and thermodynamic stability) indicates that this missense variant is not expected to disrupt STAT3 protein function with a negative predictive value of 95%. In summary, the available evidence is currently insufficient to determine the role of this variant in disease. Therefore, it has been classified as a Variant of Uncertain Significance.

NM_139276.3(STAT3):c.951G>A (p.Met317Ile)

Gene: STAT3 (signal transducer and activator of transcription 3; minus strand). Cytogenetic location: 17q21.2.
Variant type: single nucleotide variant.
Coding change: c.951G>A on transcript NM_139276.3 (MANE Select); coding-DNA position 951, G replaced by A.
Protein change: p.Met317Ile; replaces methionine 317 with isoleucine.
Molecular consequence: missense variant.
Genome position (GRCh38, 1-based): chr17:42,333,896, C>T on the plus strand (G>A on the coding strand, the complement: STAT3 is on the minus strand). VCF-style: chr17-42333896-C-T. GRCh37 (hg19) VCF-style: chr17-40485914-C-T.
Other names: c.873G>A, p.Met291Ile (NM_001384985.1); c.951G>A, p.Met317Ile (NM_001384986.1, NM_001384987.1, NM_001384988.1 and 15 more transcripts); c.855G>A, p.Met285Ile (NM_001384989.1); short protein forms M285I, M317I, M291I.
Identifiers: ClinVar variation 4789417 (VCV004789417.1).